The following is an entry in ClinVar:

ClinVar aggregate classification (germline): Uncertain significance (1 of 4 stars; one submission).

Submission:

GeneDx
Classification: Uncertain significance. Last evaluated: 2024-03-20. Review status: criteria provided, single submitter. Criteria: GeneDx Variant Classification Process June 2021. Collection method: clinical testing. Allele origin: germline. Affected: yes.
Comment: Not observed at significant frequency in large population cohorts (gnomAD); Missense variant in a gene in which most reported pathogenic variants are truncating/loss of function; Has not been previously published as pathogenic or benign to our knowledge

NM_001267550.2(TTN):c.82086C>G (p.Ile27362Met)

Genes: TTN (titin; minus strand), TTN-AS1 (TTN antisense RNA 1; plus strand). Cytogenetic location: 2q31.2.
Variant type: single nucleotide variant.
Coding change: c.82086C>G on transcript NM_001267550.2 (MANE Select); coding-DNA position 82086, C replaced by G.
Protein change: p.Ile27362Met; replaces isoleucine 27362 with methionine.
Molecular consequence: missense variant.
Genome position (GRCh38, 1-based): chr2:178,564,046, G>C on the plus strand (C>G on the coding strand, the complement: TTN is on the minus strand). VCF-style: chr2-178564046-G-C. GRCh37 (hg19) VCF-style: chr2-179428773-G-C.
Other names: c.77163C>G, p.Ile25721Met (NM_001256850.1); c.54891C>G, p.Ile18297Met (NM_003319.4); c.74382C>G, p.Ile24794Met (NM_133378.4); c.55266C>G, p.Ile18422Met (NM_133432.3); c.55467C>G, p.Ile18489Met (NM_133437.4); short protein forms I18297M, I18422M, I18489M, I24794M, I25721M, I27362M.
Identifiers: ClinVar variation 3371261 (VCV003371261.1).
Genomic context (GRCh38, chr2:178,564,046, plus strand): 5'-AACTCCAGTAACTTTCAGAGGCCCTTCAGGAGGCCCTGGCCTGTCAAGTACCTTTACAGT[G>C]ATGGGTATAGACTTTGTACCACCAACATTGCTGAGTTTCAGAATATATTGTCCTCCATCA-3'
Protein context (NP_001254479.2, residues 27352-27372): SNVGGTKSIP[Ile27362Met]TVKVLDRPGP